The following is an entry in ClinVar:

NM_152594.3(SPRED1):c.751C>G (p.Arg251Gly)

Gene: SPRED1 (sprouty related EVH1 domain containing 1; plus strand). Cytogenetic location: 15q14.
Variant type: single nucleotide variant.
Coding change: c.751C>G on transcript NM_152594.3 (MANE Select); coding-DNA position 751, C replaced by G.
Protein change: p.Arg251Gly; replaces arginine 251 with glycine.
Molecular consequence: missense variant.
Genome position (GRCh38, 1-based): chr15:38,351,080, C>G. VCF-style: chr15-38351080-C-G. GRCh37 (hg19) VCF-style: chr15-38643281-C-G.
Other names: short protein forms R251G.
Identifiers: ClinVar variation 4739342 (VCV004739342.1).

ClinVar aggregate classification (germline): Uncertain significance (1 of 4 stars; one submission).

Conditions:
Legius syndrome. Identifiers: Orphanet 137605, MedGen C1969623, MONDO:0012669, OMIM 611431. Disease mechanism: loss of function.

Submission:

Labcorp Genetics (formerly Invitae), Labcorp
Classification: Uncertain significance for Legius syndrome. Last evaluated: 2025-05-30. Review status: criteria provided, single submitter. Criteria: Invitae Variant Classification Sherloc (09022015). Collection method: clinical testing. Allele origin: germline.
Comment: This sequence change replaces arginine, which is basic and polar, with glycine, which is neutral and non-polar, at codon 251 of the SPRED1 protein (p.Arg251Gly). This variant is not present in population databases (gnomAD no frequency). This variant has not been reported in the literature in individuals affected with SPRED1-related conditions. Invitae Evidence Modeling of protein sequence and biophysical properties (such as structural, functional, and spatial information, amino acid conservation, physicochemical variation, residue mobility, and thermodynamic stability) indicates that this missense variant is not expected to disrupt SPRED1 protein function with a negative predictive value of 80%. In summary, the available evidence is currently insufficient to determine the role of this variant in disease. Therefore, it has been classified as a Variant of Uncertain Significance.